The following is an entry in ClinVar:

NM_001110556.2(FLNA):c.1658C>A (p.Thr553Asn)

Gene: FLNA (filamin A; minus strand). Cytogenetic location: Xq28.
Variant type: single nucleotide variant.
Coding change: c.1658C>A on transcript NM_001110556.2 (MANE Select); coding-DNA position 1658, C replaced by A.
Protein change: p.Thr553Asn; replaces threonine 553 with asparagine.
Molecular consequence: missense variant.
Genome position (GRCh38, 1-based): chrX:154,365,169, G>T on the plus strand (C>A on the coding strand, the complement: FLNA is on the minus strand). VCF-style: chrX-154365169-G-T. GRCh37 (hg19) VCF-style: chrX-153593537-G-T.
Other names: c.1658C>A, p.Thr553Asn (NM_001456.4); short protein forms T553N.
Identifiers: ClinVar variation 3753530 (VCV003753530.2).

ClinVar aggregate classification (germline): Uncertain significance (1 of 4 stars; one submission).

Conditions:
Melnick-Needles syndrome (MNS). Also called: MELNICK-NEEDLES OSTEODYSPLASTY; OSTEODYSPLASTY OF MELNICK AND NEEDLES; Melnick-Needles Syndrome (FLNA-MNS). Identifiers: Orphanet 2484, MedGen C0025237, MONDO:0010650, OMIM 309350.
Frontometaphyseal dysplasia (FMD1). Identifiers: Orphanet 1826, MedGen C0265293, MONDO:0015942.
Heterotopia, periventricular, X-linked dominant (PVNH1). Also called: PERIVENTRICULAR NODULAR HETEROTOPIA 1; X-linked periventricular heterotopia; PERIVENTRICULAR NODULAR HETEROTOPIA 4; HETEROTOPIA, PERIVENTRICULAR, 1. Identifiers: Orphanet 2149, Orphanet 82004, MedGen C1848213, MONDO:0010233, OMIM 300049.
Oto-palato-digital syndrome, type II (OPD2). Also called: FACIOPALATOOSSEOUS SYNDROME; OPD II SYNDROME; Otopalatodigital Syndrome, Type II; Otopalatodigital Syndrome Type 2 (FLNA-OPD2). Identifiers: Orphanet 669, Orphanet 90652, MedGen C1844696, MONDO:0010571, OMIM 304120.

Submission:

Labcorp Genetics (formerly Invitae), Labcorp
Classification: Uncertain significance for Oto-palato-digital syndrome, type II; Heterotopia, periventricular, X-linked dominant; Frontometaphyseal dysplasia; Melnick-Needles syndrome. Last evaluated: 2024-06-04. Review status: criteria provided, single submitter. Criteria: Invitae Variant Classification Sherloc (09022015). Collection method: clinical testing. Allele origin: germline.
Comment: This sequence change replaces threonine, which is neutral and polar, with asparagine, which is neutral and polar, at codon 553 of the FLNA protein (p.Thr553Asn). This variant is not present in population databases (gnomAD no frequency). This variant has not been reported in the literature in individuals affected with FLNA-related conditions. Advanced modeling of protein sequence and biophysical properties (such as structural, functional, and spatial information, amino acid conservation, physicochemical variation, residue mobility, and thermodynamic stability) performed at Invitae indicates that this missense variant is not expected to disrupt FLNA protein function with a negative predictive value of 95%. In summary, the available evidence is currently insufficient to determine the role of this variant in disease. Therefore, it has been classified as a Variant of Uncertain Significance.